The following is an entry in ClinVar:

ClinVar aggregate classification (germline): Conflicting classifications of pathogenicity. Review status: criteria provided, conflicting classifications (1 of 4 stars). 2 submissions from 2 submitters: Uncertain significance (1); Likely benign (1). Last evaluated 2024-05-01.

Conditions:
Hereditary cancer-predisposing syndrome. Also called: Neoplastic Syndromes, Hereditary; Hereditary neoplastic syndrome; Hereditary Cancer Syndrome; Tumor predisposition. Identifiers: Orphanet 140162, MedGen C0027672, MeSH D009386, MONDO:0015356.
Familial adenomatous polyposis 2. Also called: MUTYH-related attenuated familial adenomatous polyposis; COLORECTAL ADENOMATOUS POLYPOSIS, AUTOSOMAL RECESSIVE; ADENOMAS, MULTIPLE COLORECTAL, AUTOSOMAL RECESSIVE; MYH-associated polyposis; MUTYH-associated polyposis; MUTYH Polyposis. Identifiers: Orphanet 220460, Orphanet 247798, MedGen C3272841, MONDO:0012041, OMIM 608456.

Submissions (2):

Ambry Genetics
Classification: Likely benign for Hereditary cancer-predisposing syndrome. Last evaluated: 2024-05-01. Review status: criteria provided, single submitter. Criteria: Ambry Variant Classification Scheme 2023. Collection method: clinical testing. Allele origin: germline.

Labcorp Genetics (formerly Invitae), Labcorp
Classification: Uncertain significance for Familial adenomatous polyposis 2. Last evaluated: 2022-12-17. Review status: criteria provided, single submitter. Criteria: Invitae Variant Classification Sherloc (09022015). Collection method: clinical testing. Allele origin: germline.
Comment: In summary, the available evidence is currently insufficient to determine the role of this variant in disease. Therefore, it has been classified as a Variant of Uncertain Significance. Algorithms developed to predict the effect of sequence changes on RNA splicing suggest that this variant may disrupt the consensus splice site. This variant has not been reported in the literature in individuals affected with MUTYH-related conditions. This variant is not present in population databases (gnomAD no frequency). This sequence change affects codon 66 of the MUTYH mRNA. It is a 'silent' change, meaning that it does not change the encoded amino acid sequence of the MUTYH protein.

NM_001048174.2(MUTYH):c.116-2A>T

Gene: MUTYH (mutY DNA glycosylase; minus strand). Cytogenetic location: 1p34.1.
Variant type: single nucleotide variant.
Coding change: c.116-2A>T on transcript NM_001048174.2 (MANE Select); the canonical splice acceptor site of the intron before coding-DNA position 116, A replaced by T.
Molecular consequence: splice acceptor variant. On other transcripts: synonymous variant (15), intron variant (5).
Genome position (GRCh38, 1-based): chr1:45,333,563, T>A on the plus strand (A>T on the coding strand, the complement: MUTYH is on the minus strand). VCF-style: chr1-45333563-T-A. GRCh37 (hg19) VCF-style: chr1-45799235-T-A.
Other names: c.117A>T, p.Ala39= (NM_001048172.2, NM_001407071.1, NM_001407078.1 and 2 more transcripts); c.198A>T, p.Ala66= (NM_001128425.2); c.159A>T, p.Ala53= (NM_001293190.2); c.147A>T, p.Ala49= (NM_001293191.2, NM_001407077.1); c.189A>T, p.Ala63= (NM_001407069.1, NM_012222.3); c.30A>T, p.Ala10= (NM_001407075.1); c.156A>T, p.Ala52= (NM_001407083.1, NM_001407085.1); c.135A>T, p.Ala45= (NM_001407087.1); and 5 more.
Identifiers: ClinVar variation 2808620 (VCV002808620.4), dbSNP rs2524285979, ClinGen allele CA340136723.
Genomic context (GRCh38, chr1:45,333,563, plus strand): 5'-TAGATGGTATGAGGAGACAGAGGCCTGCAATACCACCTCTTCCGGCTGCCTGGCCAGGCC[T>A]GCTGGGGCCCCAGGACACTCAGCAATCATCCCTGCACAGGCTGTGCATCAGGGTCTTGGG-3'